The following is an entry in ClinVar:

NM_001447.3(FAT2):c.6136C>T (p.Arg2046Trp)

Genes: FAT2 (FAT atypical cadherin 2; minus strand), SLC36A1 (solute carrier family 36 member 1; plus strand). Cytogenetic location: 5q33.1.
Variant type: single nucleotide variant.
Coding change: c.6136C>T on transcript NM_001447.3 (MANE Select); coding-DNA position 6136, C replaced by T.
Protein change: p.Arg2046Trp; replaces arginine 2046 with tryptophan.
Molecular consequence: missense variant.
Genome position (GRCh38, 1-based): chr5:151,544,991, G>A on the plus strand (C>T on the coding strand, the complement: FAT2 is on the minus strand). VCF-style: chr5-151544991-G-A. GRCh37 (hg19) VCF-style: chr5-150924552-G-A.
Other names: short protein forms R2046W.
Identifiers: ClinVar variation 1926929 (VCV001926929.5), dbSNP rs375082505, ClinGen allele CA3521162.

ClinVar aggregate classification (germline): Uncertain significance (1 of 4 stars; one submission).

Allele frequency attached by ClinVar (database versions not stated): ExAC 0.00002; gnomAD 0.00003; TOPMed 0.00005; ESP Exome Variant Server 0.00008; 1000 Genomes Project 0.00020; 1000 Genomes Project 30x 0.00031.
gnomAD v4.1: 26 of 1,614,134 alleles (0.0016%); highest among the groups gnomAD compares: South Asian, 0.0077%; no homozygotes.

Submission:

Labcorp Genetics (formerly Invitae), Labcorp
Classification: Uncertain significance. Last evaluated: 2024-10-30. Review status: criteria provided, single submitter. Criteria: Invitae Variant Classification Sherloc (09022015). Collection method: clinical testing. Allele origin: germline.
Comment: This sequence change replaces arginine, which is basic and polar, with tryptophan, which is neutral and slightly polar, at codon 2046 of the FAT2 protein (p.Arg2046Trp). This variant is present in population databases (rs375082505, gnomAD 0.007%). This variant has not been reported in the literature in individuals affected with FAT2-related conditions. ClinVar contains an entry for this variant (Variation ID: 1926929). Invitae Evidence Modeling of protein sequence and biophysical properties (such as structural, functional, and spatial information, amino acid conservation, physicochemical variation, residue mobility, and thermodynamic stability) has been performed for this missense variant. However, the output from this modeling did not meet the statistical confidence thresholds required to predict the impact of this variant on FAT2 protein function. In summary, the available evidence is currently insufficient to determine the role of this variant in disease. Therefore, it has been classified as a Variant of Uncertain Significance.